The following is an entry in ClinVar:

NM_001002036.4(ASTL):c.912G>A (p.Pro304=)

Gene: ASTL (astacin like metalloendopeptidase; minus strand). Cytogenetic location: 2q11.2.
Variant type: single nucleotide variant.
Coding change: c.912G>A on transcript NM_001002036.4 (MANE Select); coding-DNA position 912, G replaced by A.
Protein change: p.Pro304=; no amino-acid change (proline 304 retained).
Molecular consequence: synonymous variant.
Genome position (GRCh38, 1-based): chr2:96,124,234, C>T on the plus strand (G>A on the coding strand, the complement: ASTL is on the minus strand). VCF-style: chr2-96124234-C-T. GRCh37 (hg19) VCF-style: chr2-96789973-C-T.
Identifiers: ClinVar variation 2651138 (VCV002651138.24), dbSNP rs183967306, ClinGen allele CA1776187.

ClinVar aggregate classification (germline): Likely benign (1 of 4 stars; one submission).

Allele frequency attached by ClinVar (database versions not stated): 1000 Genomes Project 0.00240; 1000 Genomes Project 30x 0.00265; ESP Exome Variant Server 0.00453; gnomAD 0.00479; TOPMed 0.00544; ExAC 0.00595.
gnomAD v4.1: 8,706 of 1,514,630 alleles (0.57%); highest among the groups gnomAD compares: Admixed American, 0.99%; 44 homozygotes.

Submission:

CeGaT Center for Human Genetics Tuebingen
Classification: Likely benign. Last evaluated: 2025-03-01. Review status: criteria provided, single submitter. Criteria: CeGaT Center For Human Genetics Tuebingen Variant Classification Criteria Version 2. Collection method: clinical testing. Allele origin: germline. Affected: yes. Observed: 2 variant alleles.
Comment: ASTL: BP4, BP7, BS2